The following is an entry in ClinVar:

ClinVar aggregate classification (germline): Uncertain significance (1 of 4 stars; one submission).

Allele frequency attached by ClinVar (database versions not stated): ExAC 0.00001; gnomAD 0.00001; TOPMed 0.00001; 1000 Genomes Project 30x 0.00021; 1000 Genomes Project 0.00026.
gnomAD v4.1: 2 of 1,209,579 alleles (0.00017%); highest among the groups gnomAD compares: African/African-American, 0.0017%; no homozygotes.

Submission:

Ambry Genetics
Classification: Uncertain significance. Last evaluated: 2026-01-21. Review status: criteria provided, single submitter. Criteria: Ambry Variant Classification Scheme 2023. Collection method: clinical testing. Allele origin: germline.
Comment: The c.583C>T (p.P195S) alteration is located in exon 3 (coding exon 3) of the TSC22D3 gene. This alteration results from a C to T substitution at nucleotide position 583, causing the proline (P) at amino acid position 195 to be replaced by a serine (S). Based on data from gnomAD, the T allele has an overall frequency of 0.001% (2/182987) total alleles studied. The highest observed frequency was 0.008% (1/13143) of African alleles. Based on insufficient or conflicting evidence, the clinical significance of this alteration remains unclear.

NM_198057.3(TSC22D3):c.583C>T (p.Pro195Ser)

Gene: TSC22D3 (TSC22 domain family member 3; minus strand). Cytogenetic location: Xq22.3.
Variant type: single nucleotide variant.
Coding change: c.583C>T on transcript NM_198057.3 (MANE Select); coding-DNA position 583, C replaced by T.
Protein change: p.Pro195Ser; replaces proline 195 with serine.
Molecular consequence: missense variant.
Genome position (GRCh38, 1-based): chrX:107,714,539, G>A on the plus strand (C>T on the coding strand, the complement: TSC22D3 is on the minus strand). VCF-style: chrX-107714539-G-A. GRCh37 (hg19) VCF-style: chrX-106957769-G-A.
Other names: c.214C>T, p.Pro72Ser (NM_001015881.2); c.583C>T, p.Pro195Ser (NM_001318468.1, NM_001318470.1); c.385C>T, p.Pro129Ser (NM_004089.4); short protein forms P129S, P195S, P72S.
Identifiers: ClinVar variation 2609002 (VCV002609002.3), dbSNP rs759197258, ClinGen allele CA10485714.
Genomic context (GRCh38, chrX:107,714,539, plus strand): 5'-ACAAGTTTAGTGGCTCTGCCCACCCTGAGGACAGAGCCACTTACACCGCAGAACCACCAG[G>A]GGCCTCGGGCACTTGTGGGGATTCGGGAGCTGGCTCTTCAGGGCTCAGACAGGACTGGAA-3'
Protein context (NP_932174.1, residues 185-200): APESPQVPEA[Pro195Ser]GGSAV